The following is an entry in ClinVar:

ClinVar aggregate classification (germline): Uncertain significance (1 of 4 stars; one submission).

Conditions:
Emery-Dreifuss muscular dystrophy 5, autosomal dominant (EDMD5). Also called: EMERY-DREIFUSS MUSCULAR DYSTROPHY 5. Identifiers: Orphanet 261, MedGen C2751805, MONDO:0013072, OMIM 612999.

Allele frequency attached by ClinVar (database versions not stated): gnomAD exomes below 0.00001; TOPMed 0.00002.
gnomAD v4.1: 8 of 1,614,124 alleles (0.0005%); highest among the groups gnomAD compares: Admixed American, 0.0017%; no homozygotes.

Submission:

Labcorp Genetics (formerly Invitae), Labcorp
Classification: Uncertain significance for Emery-Dreifuss muscular dystrophy 5, autosomal dominant. Last evaluated: 2024-08-22. Review status: criteria provided, single submitter. Criteria: Invitae Variant Classification Sherloc (09022015). Collection method: clinical testing. Allele origin: germline.
Comment: This sequence change replaces histidine, which is basic and polar, with asparagine, which is neutral and polar, at codon 1295 of the SYNE2 protein (p.His1295Asn). This variant is present in population databases (rs749089209, gnomAD 0.003%). This variant has not been reported in the literature in individuals affected with SYNE2-related conditions. ClinVar contains an entry for this variant (Variation ID: 850274). An algorithm developed to predict the effect of missense changes on protein structure and function (PolyPhen-2) suggests that this variant is likely to be tolerated. In summary, the available evidence is currently insufficient to determine the role of this variant in disease. Therefore, it has been classified as a Variant of Uncertain Significance.

NM_182914.3(SYNE2):c.3883C>A (p.His1295Asn)

Gene: SYNE2 (spectrin repeat containing nuclear envelope protein 2; plus strand). Cytogenetic location: 14q23.2.
Variant type: single nucleotide variant.
Coding change: c.3883C>A on transcript NM_182914.3 (MANE Select); coding-DNA position 3883, C replaced by A.
Protein change: p.His1295Asn; replaces histidine 1295 with asparagine.
Molecular consequence: missense variant.
Genome position (GRCh38, 1-based): chr14:64,002,816, C>A. VCF-style: chr14-64002816-C-A. GRCh37 (hg19) VCF-style: chr14-64469534-C-A.
Other names: c.3883C>A, p.His1295Asn (NM_015180.6); short protein forms H1295N.
Identifiers: ClinVar variation 850274 (VCV000850274.9), dbSNP rs749089209, ClinGen allele CA261847988.
Genomic context (GRCh38, chr14:64,002,816, plus strand): 5'-TGTAACCGCTTAGAAGAGCCAGGCAACTTTGTATTAAAGGAGTTACACCCATTTGATCTA[C>A]ACGCAATGCAGAATATTATACTGAAATACAAAACACAATTTGAAGGAATGAACCACAGGG-3'
Protein context (NP_878918.2, residues 1285-1305): VLKELHPFDL[His1295Asn]AMQNIILKYK